The following is an entry in ClinVar:

NM_001429.4(EP300):c.6323A>C (p.Gln2108Pro)

Gene: EP300 (EP300 lysine acetyltransferase; plus strand). Cytogenetic location: 22q13.2.
Variant type: single nucleotide variant.
Coding change: c.6323A>C on transcript NM_001429.4 (MANE Select); coding-DNA position 6323, A replaced by C.
Protein change: p.Gln2108Pro; replaces glutamine 2108 with proline.
Molecular consequence: missense variant.
Genome position (GRCh38, 1-based): chr22:41,178,034, A>C. VCF-style: chr22-41178034-A-C. GRCh37 (hg19) VCF-style: chr22-41574038-A-C.
Other names: c.6245A>C, p.Gln2082Pro (NM_001362843.2); short protein forms Q2082P, Q2108P.
Identifiers: ClinVar variation 2636673 (VCV002636673.5), dbSNP rs760736215, ClinGen allele CA324519196.
Genomic context (GRCh38, chr22:41,178,034, plus strand): 5'-GGGCTGCCAAGTATGCCAACTCTAATCCACAACCCATCCCTGGGCAGCCTGGCATGCCCC[A>C]GGGGCAGCCAGGGCTACAGCCACCTACCATGCCAGGTCAGCAGGGGGTCCACTCCAATCC-3'
Protein context (NP_001420.2, residues 2098-2118): QPIPGQPGMP[Gln2108Pro]GQPGLQPPTM

ClinVar aggregate classification (germline): Uncertain significance. Review status: criteria provided, multiple submitters, no conflicts (2 of 4 stars). 3 submissions from 3 submitters: Uncertain significance (3). Last evaluated 2023-04-23.

Conditions:
Rubinstein-Taybi syndrome due to EP300 haploinsufficiency. Also called: EP300-Related Rubinstein-Taybi Syndrome; RUBINSTEIN-TAYBI SYNDROME 2. Identifiers: Orphanet 353284, Orphanet 783, MedGen C3150941, MONDO:0013364, OMIM 613684.
EP300-related disorder. Also called: EP300-related disorders; EP300-related condition.

Allele frequency attached by ClinVar (database versions not stated): gnomAD 0.00001; TOPMed 0.00001.
gnomAD v4.1: 16 of 1,613,894 alleles (0.00099%); highest among the groups gnomAD compares: Admixed American, 0.0017%; no homozygotes.

Submissions (3):

Labcorp Genetics (formerly Invitae), Labcorp
Classification: Uncertain significance for Rubinstein-Taybi syndrome due to EP300 haploinsufficiency. Last evaluated: 2023-04-23. Review status: criteria provided, single submitter. Criteria: Invitae Variant Classification Sherloc (09022015). Collection method: clinical testing. Allele origin: germline.
Comment: This sequence change replaces glutamine, which is neutral and polar, with proline, which is neutral and non-polar, at codon 2108 of the EP300 protein (p.Gln2108Pro). This variant is not present in population databases (gnomAD no frequency). In summary, the available evidence is currently insufficient to determine the role of this variant in disease. Therefore, it has been classified as a Variant of Uncertain Significance. Advanced modeling of protein sequence and biophysical properties (such as structural, functional, and spatial information, amino acid conservation, physicochemical variation, residue mobility, and thermodynamic stability) performed at Invitae indicates that this missense variant is not expected to disrupt EP300 protein function. This variant has not been reported in the literature in individuals affected with EP300-related conditions.

PreventionGenetics, part of Exact Sciences
Classification: Uncertain significance for EP300-related condition. Last evaluated: 2023-04-13. Review status: criteria provided, single submitter. Criteria: ACMG Guidelines, 2015. Collection method: clinical testing. Allele origin: germline.
Comment: The EP300 c.6323A>C variant is predicted to result in the amino acid substitution p.Gln2108Pro. To our knowledge, this variant has not been reported in the literature or in a large population database, indicating this variant is rare. At this time, the clinical significance of this variant is uncertain due to the absence of conclusive functional and genetic evidence.

Blueprint Genetics
Classification: Uncertain significance. Last evaluated: 2022-03-07. Review status: criteria provided, single submitter. Criteria: ACMG Guidelines, 2015. Collection method: clinical testing. Allele origin: germline.